The following is an entry in ClinVar:

ClinVar aggregate classification (germline): Uncertain significance (1 of 4 stars; one submission).

Conditions:
Charcot-Marie-Tooth disease axonal type 2O. Also called: Charcot-Marie-Tooth disease, axonal, type 20; CHARCOT-MARIE-TOOTH NEUROPATHY, AXONAL, TYPE 2O; CHARCOT-MARIE-TOOTH DISEASE, AXONAL, AUTOSOMAL DOMINANT, TYPE 2O; Charcot-Marie-Tooth Neuropathy Type 2O. Identifiers: Orphanet 284232, MedGen C3280220, MONDO:0013644, OMIM 614228.

Submission:

Labcorp Genetics (formerly Invitae), Labcorp
Classification: Uncertain significance for Charcot-Marie-Tooth disease axonal type 2O. Last evaluated: 2024-12-20. Review status: criteria provided, single submitter. Criteria: Invitae Variant Classification Sherloc (09022015). Collection method: clinical testing. Allele origin: germline.
Comment: This sequence change replaces glycine, which is neutral and non-polar, with arginine, which is basic and polar, at codon 110 of the DYNC1H1 protein (p.Gly110Arg). This variant is not present in population databases (gnomAD no frequency). This variant has not been reported in the literature in individuals affected with DYNC1H1-related conditions. Invitae Evidence Modeling of protein sequence and biophysical properties (such as structural, functional, and spatial information, amino acid conservation, physicochemical variation, residue mobility, and thermodynamic stability) indicates that this missense variant is not expected to disrupt DYNC1H1 protein function with a negative predictive value of 95%. In summary, the available evidence is currently insufficient to determine the role of this variant in disease. Therefore, it has been classified as a Variant of Uncertain Significance.

NM_001376.5(DYNC1H1):c.328G>C (p.Gly110Arg)

Gene: DYNC1H1 (dynein cytoplasmic 1 heavy chain 1; plus strand). Cytogenetic location: 14q32.31.
Variant type: single nucleotide variant.
Coding change: c.328G>C on transcript NM_001376.5 (MANE Select); coding-DNA position 328, G replaced by C.
Protein change: p.Gly110Arg; replaces glycine 110 with arginine.
Molecular consequence: missense variant.
Genome position (GRCh38, 1-based): chr14:101,975,783, G>C. VCF-style: chr14-101975783-G-C. GRCh37 (hg19) VCF-style: chr14-102442120-G-C.
Other names: short protein forms G110R.
Identifiers: ClinVar variation 3636109 (VCV003636109.2).